The following is an entry in ClinVar:

ClinVar aggregate classification (germline): Pathogenic/Likely pathogenic. Review status: criteria provided, multiple submitters, no conflicts (2 of 4 stars). 7 submissions from 7 submitters: Pathogenic (4); Likely pathogenic (1). 2 of the submissions do not count toward it. Last evaluated 2025-12-30.

Conditions:
MCPH1-related disorder. Also called: MCPH1-related condition.
Microcephaly 1, primary, autosomal recessive (MCPH1). Also called: PREMATURE CHROMOSOME CONDENSATION SYNDROME; PCC SYNDROME; PREMATURE CHROMOSOME CONDENSATION WITH MICROCEPHALY AND MENTAL RETARDATION. Identifiers: Orphanet 2512, MedGen C1855081, MONDO:0009617, OMIM 251200.
Abnormal brain morphology. Also called: Abnormality of brain morphology. Identifiers: MedGen C4021085, HP:0012443.

Submissions (7):

Myriad Genetics, Inc.
Classification: Pathogenic for Microcephaly 1, primary, autosomal recessive. Last evaluated: 2025-12-30. Review status: criteria provided, single submitter. Criteria: Myriad Autosomal Dominant, Autosomal Recessive and X-Linked Classification Criteria (2023). Collection method: clinical testing. Allele origin: unknown.
Comment: NM_024596.3(MCPH1):c.427dupA(T143Nfs*5) is a frameshift variant classified as pathogenic in the context of primary microcephaly, MCPH1-related. T143Nfs*5 has been observed in a case with relevant disease (PMID: 15199523). Relevant functional assessments of this variant are not available in the literature. T143Nfs*5 has not been observed in referenced population frequency databases. In summary, NM_024596.3(MCPH1):c.427dupA(T143Nfs*5) is a frameshift variant in a gene where loss of function is a known mechanism of disease, is predicted to disrupt protein function, and has been observed more frequently in cases with the relevant disease than in healthy populations. Please note: this variant was assessed in the context of healthy population screening.

Dasa
Classification: Pathogenic. Last evaluated: 2025-12-22. Review status: criteria provided, single submitter. Criteria: DASA Assertion Criteria. Collection method: clinical testing. Allele origin: germline.
Comment: NM_024596.5(MCPH1):c.427dup (p.Thr143Asnfs*5) introduces a premature termination codon predicted to result in loss of normal protein function. Loss-of-function is an established mechanism of disease for this gene. This variant has been recurrently observed in affected individuals with related phenotype in a genotype context consistent with recessive disease (PMID: 16211557; PMID: 15199523). The variant is present at low frequency in population datasets. Based on the available data, this variant is classified as pathogenic.

Blueprint Genetics
Classification: Pathogenic for MCPH1-related disorders. Last evaluated: 2023-08-04. Review status: criteria provided, single submitter. Criteria: ACMG Guidelines, 2015. Collection method: clinical testing. Allele origin: germline. Affected: yes. Observed: 2 variant alleles.

Genetic Services Laboratory, University of Chicago
Classification: Pathogenic for Microcephaly 1, primary, autosomal recessive. Last evaluated: 2016-10-27. Review status: criteria provided, single submitter. Criteria: ACMG Guidelines, 2015. Collection method: clinical testing. Allele origin: germline. Affected: yes.

Lupski Lab, Baylor-Hopkins CMG, Baylor College of Medicine
Classification: Likely pathogenic for Abnormal brain morphology. Review status: criteria provided, single submitter. Criteria: Karaca et al. (Neuron 2015). Collection method: research. Allele origin: inherited. Inheritance: Autosomal recessive inheritance. Affected: yes.

OMIM
Classification: Pathogenic for MICROCEPHALY 1, PRIMARY, AUTOSOMAL RECESSIVE. Last evaluated: 2006-07-01. Review status: no assertion criteria provided. Collection method: literature only. Allele origin: germline. Not counted in ClinVar's aggregate classification.

GeneReviews
No classification provided. Condition: Microcephaly 1, primary, autosomal recessive. Review status: no classification provided. Collection method: literature only. Allele origin: unknown. Not counted in ClinVar's aggregate classification.

Literature cited by the submitters: PubMed 15199523 (cited by 3 submitters); PubMed 16211557 (cited by Dasa); PubMed 11857108 (cited by OMIM); PubMed 16783362 (cited by OMIM); PubMed 20301772 (cited by GeneReviews); NCBI Bookshelf NBK9587 (cited by GeneReviews).

NM_024596.5(MCPH1):c.427dup (p.Thr143fs)

Gene: MCPH1 (microcephalin 1; plus strand). Cytogenetic location: 8p23.1.
Variant type: Duplication.
Coding change: c.427dup on transcript NM_024596.5 (MANE Select); coding-DNA position 427, one base duplicated (A; older notation c.427dupA).
Protein change: p.Thr143fs; shifts the reading frame from threonine 143.
Molecular consequence: frameshift variant.
Genome position (GRCh38, 1-based): chr8:6,436,153, A duplicated; the last of 6 consecutive A bases (chr8:6,436,148-6,436,153); duplicating any one gives the same sequence. VCF-style (leftmost placement, unchanged base first): chr8-6436147-C-CA. GRCh37 (hg19) VCF-style: chr8-6293668-C-CA.
Other names: c.427dup, p.Thr143fs (NM_001172574.2, NM_001172575.2, NM_001322042.2 and 2 more transcripts); c.421dup, p.Thr141fs (NM_001322043.2); c.325dup, p.Thr109fs (NM_001322045.2); short protein forms T143fs, T109fs, T141fs.
Identifiers: ClinVar variation 3455 (VCV000003455.11), dbSNP rs199422125, ClinGen allele CA340095.